The following is an entry in ClinVar:

ClinVar aggregate classification (germline): Uncertain significance. Review status: criteria provided, multiple submitters, no conflicts (2 of 4 stars). 2 submissions from 2 submitters: Uncertain significance (2). Last evaluated 2024-12-05.

Conditions:
Neurodevelopmental disorder with visual defects and brain anomalies. Identifiers: MedGen C5231404, MONDO:0032807, OMIM 618547.

Submissions (2):

Wendy Chung Laboratory, Boston Children's Hospital
Classification: Uncertain significance for Neurodevelopmental disorder with visual defects and brain anomalies. Last evaluated: 2024-12-05. Review status: criteria provided, single submitter. Criteria: ACMG Guidelines, 2015. Collection method: clinical testing. Allele origin: unknown. Inheritance: Autosomal dominant inheritance. Affected: yes. Observed: 1 heterozygote.
Comment: The c.2395C>A variant has not previously been reported in the literature or ClinVar, and it is absent from population databases (gnomAD v4.1.0, TOPMed Freeze 10, All of Us). The c.2395C>G variant is located in exon 17 of this 18-exon gene and predicted to replace an evolutionarily conserved glutamine amino acid with lysine at position 799 [p.(Gln799Lys)] within the hexokinase large subdomain 2 of the encoded protein. At least one in silico prediction tool is in support of damaging effect for the p.(Gln799Lys) variant; however, there are no functional studies to confirm or refute these predictions. Based on available evidence this heterozygous c.2395C>A:p.(Gln799Lys) variant identified in HK1 in this individual is classified as Variant of Uncertain Significance (PM2_Supp + PP3).

GeneDx
Classification: Uncertain significance. Last evaluated: 2024-09-19. Review status: criteria provided, single submitter. Criteria: GeneDx Variant Classification Process June 2021. Collection method: clinical testing. Allele origin: germline. Affected: yes.
Comment: Not observed at significant frequency in large population cohorts (gnomAD); In silico analysis supports that this missense variant has a deleterious effect on protein structure/function; Has not been previously published as pathogenic or benign to our knowledge

NM_000188.3(HK1):c.2395C>A (p.Gln799Lys)

Gene: HK1 (hexokinase 1; plus strand). Cytogenetic location: 10q22.1.
Variant type: single nucleotide variant.
Coding change: c.2395C>A on transcript NM_000188.3 (MANE Select); coding-DNA position 2395, C replaced by A.
Protein change: p.Gln799Lys; replaces glutamine 799 with lysine.
Molecular consequence: missense variant.
Genome position (GRCh38, 1-based): chr10:69,398,614, C>A. VCF-style: chr10-69398614-C-A. GRCh37 (hg19) VCF-style: chr10-71158370-C-A.
Other names: c.2407C>A, p.Gln803Lys (NM_001322364.2, NM_001358263.1, NM_033497.3 and 1 more transcripts); c.2500C>A, p.Gln834Lys (NM_001322365.2); c.2311C>A, p.Gln771Lys (NM_001322366.1); c.2299C>A, p.Gln767Lys (NM_001322367.1); c.2392C>A, p.Gln798Lys (NM_033496.3); c.2359C>A, p.Gln787Lys (NM_033500.2); c.2395C>A (NM_000188.2); short protein forms Q767K, Q787K, Q798K, Q771K, Q803K, Q834K, Q799K.
Identifiers: ClinVar variation 3544386 (VCV003544386.2).